The following is an entry in ClinVar:

NM_001317778.2(SFTPC):c.347C>A (p.Ala116Asp)

Gene: SFTPC (surfactant protein C; plus strand). Cytogenetic location: 8p21.3.
Variant type: single nucleotide variant.
Coding change: c.347C>A on transcript NM_001317778.2 (MANE Select); coding-DNA position 347, C replaced by A.
Protein change: p.Ala116Asp; replaces alanine 116 with aspartic acid.
Molecular consequence: missense variant.
Genome position (GRCh38, 1-based): chr8:22,163,458, C>A. VCF-style: chr8-22163458-C-A. GRCh37 (hg19) VCF-style: chr8-22020971-C-A.
Other names: c.347C>A (NM_003018.3); c.347C>A, p.Ala116Asp (NM_001172357.2, NM_001172410.2, NM_001317780.2 and 1 more transcripts); c.188C>A, p.Ala63Asp (NM_001317779.2); short protein forms A116D, A63D.
Identifiers: ClinVar variation 13212 (VCV000013212.2), dbSNP rs121918559, ClinGen allele CA210542.

ClinVar aggregate classification (germline): Uncertain significance. Review status: criteria provided, single submitter (1 of 4 stars). 2 submissions from 2 submitters: Uncertain significance (1). 1 of the submissions does not count toward it. Last evaluated 2025-01-19.

Conditions:
SFTPC-related disorder. Also called: SFTPC-related condition.
Surfactant metabolism dysfunction, pulmonary, 2 (SMDP2). Also called: INTERSTITIAL LUNG DISEASE DUE TO SURFACTANT PROTEIN C DEFICIENCY; PULMONARY ALVEOLAR PROTEINOSIS, CONGENITAL, 2; DESQUAMATIVE INTERSTITIAL PNEUMONITIS DUE TO SURFACTANT PROTEIN C DEFICIENCY. Identifiers: Orphanet 440392, MedGen C1970470, MONDO:0024465, OMIM 610913.

Submissions (2):

PreventionGenetics, part of Exact Sciences
Classification: Uncertain significance for SFTPC-related condition. Last evaluated: 2025-01-19. Review status: criteria provided, single submitter. Criteria: ACMG Guidelines, 2015. Collection method: clinical testing. Allele origin: germline.
Comment: The SFTPC c.347C>A variant is predicted to result in the amino acid substitution p.Ala116Asp. This variant was reported in an individual with surfactant protein C deficiency (Rosen et al. 2005. PubMed ID: 15647591), and functional evidence in vitro support a deleterious effect (Zarbock et al. 2012. PubMed ID: 22458263; Thurm et al. 2013. PubMed ID: 23701443). This variant has not been reported in a large population database (gnomAD), indicating it is rare. Although we suspect that this variant may be pathogenic, at this time, the clinical significance of this variant is uncertain due to the absence of conclusive functional and genetic evidence.

OMIM
Classification: Pathogenic for SURFACTANT METABOLISM DYSFUNCTION, PULMONARY, 2. Last evaluated: 2005-01-13. Review status: no assertion criteria provided. Collection method: literature only. Allele origin: germline. Not counted in ClinVar's aggregate classification.

Literature cited by the submitters: PubMed 15647591 (cited by OMIM).